The following is an entry in ClinVar:

NM_000135.4(FANCA):c.1624G>A (p.Glu542Lys)

Gene: FANCA (FA complementation group A; minus strand). Cytogenetic location: 16q24.3.
Variant type: single nucleotide variant.
Coding change: c.1624G>A on transcript NM_000135.4 (MANE Select); coding-DNA position 1624, G replaced by A.
Protein change: p.Glu542Lys; replaces glutamic acid 542 with lysine.
Molecular consequence: missense variant.
Genome position (GRCh38, 1-based): chr16:89,782,861, C>T on the plus strand (G>A on the coding strand, the complement: FANCA is on the minus strand). VCF-style: chr16-89782861-C-T. GRCh37 (hg19) VCF-style: chr16-89849269-C-T.
Other names: c.1624G>A, p.Glu542Lys (NM_001286167.3); short protein forms E542K.
Identifiers: ClinVar variation 2890193 (VCV002890193.1), dbSNP rs2039767352, ClinGen allele CA397457915.

ClinVar aggregate classification (germline): Uncertain significance (1 of 4 stars; one submission).

Conditions:
Fanconi anemia (FA). Also called: Fanconi's anemia. Identifiers: Orphanet 84, MedGen C0015625, MeSH D005199, MONDO:0019391.

Allele frequency attached by ClinVar (database versions not stated): gnomAD 0.00001; gnomAD exomes 0.00001.
gnomAD v4.1: 14 of 1,612,478 alleles (0.00087%); highest among the groups gnomAD compares: Non-Finnish European, 0.0012%; no homozygotes.

Submission:

Labcorp Genetics (formerly Invitae), Labcorp
Classification: Uncertain significance for Fanconi anemia. Last evaluated: 2023-08-07. Review status: criteria provided, single submitter. Criteria: Invitae Variant Classification Sherloc (09022015). Collection method: clinical testing. Allele origin: germline.
Comment: This variant has not been reported in the literature in individuals affected with FANCA-related conditions. In summary, the available evidence is currently insufficient to determine the role of this variant in disease. Therefore, it has been classified as a Variant of Uncertain Significance. An algorithm developed to predict the effect of missense changes on protein structure and function (PolyPhen-2) suggests that this variant¬†is likely to be tolerated. This variant is not present in population databases (gnomAD no frequency). This sequence change replaces glutamic acid, which is acidic and polar, with lysine, which is basic and polar, at codon 542 of the FANCA protein (p.Glu542Lys).